The following is an entry in ClinVar:

ClinVar aggregate classification (germline): Likely benign. Review status: criteria provided, single submitter (1 of 4 stars). 2 submissions from 2 submitters: Likely benign (1). 1 of the submissions does not count toward it. Last evaluated 2024-04-01.

Conditions:
MYO5B-related disorder. Also called: MYO5B-related condition.

Allele frequency attached by ClinVar (database versions not stated): gnomAD exomes below 0.00001; ExAC 0.00001; gnomAD 0.00005; TOPMed 0.00006.
gnomAD v4.1: 16 of 1,614,056 alleles (0.00099%); highest among the groups gnomAD compares: African/African-American, 0.019%; no homozygotes.

Submissions (2):

Labcorp Genetics (formerly Invitae), Labcorp
Classification: Likely benign. Last evaluated: 2024-04-01. Review status: criteria provided, single submitter. Criteria: Invitae Variant Classification Sherloc (09022015). Collection method: clinical testing. Allele origin: germline.

PreventionGenetics, part of Exact Sciences
Classification: Likely benign for MYO5B-related condition. Last evaluated: 2022-07-12. Review status: no assertion criteria provided. Collection method: clinical testing. Allele origin: germline. Not counted in ClinVar's aggregate classification.
Comment: This variant is classified as likely benign based on ACMG/AMP sequence variant interpretation guidelines (Richards et al. 2015 PMID: 25741868, with internal and published modifications).

NM_001080467.3(MYO5B):c.4443C>A (p.Ile1481=)

Genes: MYO5B (myosin VB; minus strand), SNHG22 (small nucleolar RNA host gene 22; plus strand). Cytogenetic location: 18q21.1.
Variant type: single nucleotide variant.
Coding change: c.4443C>A on transcript NM_001080467.3 (MANE Select); coding-DNA position 4443, C replaced by A.
Protein change: p.Ile1481=; no amino-acid change (isoleucine 1481 retained).
Molecular consequence: synonymous variant.
Genome position (GRCh38, 1-based): chr18:49,847,162, G>T on the plus strand (C>A on the coding strand, the complement: MYO5B is on the minus strand). VCF-style: chr18-49847162-G-T. GRCh37 (hg19) VCF-style: chr18-47373532-G-T.
Other names: c.4443C>A (NM_001080467.2).
Identifiers: ClinVar variation 2174803 (VCV002174803.6), dbSNP rs761106859, ClinGen allele CA8960372.
Genomic context (GRCh38, chr18:49,847,162, plus strand): 5'-TGAAGGAGGGGCAGGCAGCATAGGGTGGCACAGAGGGTCCTTACCTGTCACCAGGTTCCG[G>T]ATGAGGAGGGCCTCGTCCTCTTTGTGGTACTCCAGCATGCCCTGGAAATCCTTCTCTTTC-3'
Protein context (NP_001073936.1, residues 1471-1491): EYHKEDEALL[Ile1481=]RNLVTDLKPQ